The following is an entry in ClinVar:

NM_005762.3(TRIM28):c.1361G>A (p.Gly454Glu)

Gene: TRIM28 (tripartite motif containing 28; plus strand). Cytogenetic location: 19q13.43.
Variant type: single nucleotide variant.
Coding change: c.1361G>A on transcript NM_005762.3 (MANE Select); coding-DNA position 1361, G replaced by A.
Protein change: p.Gly454Glu; replaces glycine 454 with glutamic acid.
Molecular consequence: missense variant.
Genome position (GRCh38, 1-based): chr19:58,548,862, G>A. VCF-style: chr19-58548862-G-A. GRCh37 (hg19) VCF-style: chr19-59060229-G-A.
Other names: short protein forms G454E.
Identifiers: ClinVar variation 2629798 (VCV002629798.1), dbSNP rs2053786133, ClinGen allele CA407917476.

ClinVar aggregate classification (germline): Uncertain significance (1 of 4 stars; one submission).

Conditions:
TRIM28-related disorder. Also called: TRIM28-related condition.

Submission:

PreventionGenetics, part of Exact Sciences
Classification: Uncertain significance for TRIM28-related condition. Last evaluated: 2022-12-16. Review status: criteria provided, single submitter. Criteria: ACMG Guidelines, 2015. Collection method: clinical testing. Allele origin: germline.
Comment: The TRIM28 c.1361G>A variant is predicted to result in the amino acid substitution p.Gly454Glu. This variant is located at the first base of an exon, and is predicted to diminish the canonical splice acceptor and this junction (Alamut Visual v1.6.1). To our knowledge, this variant has not been reported in the literature or in a large population database, indicating this variant is rare. At this time, the clinical significance of this variant is uncertain due to the absence of conclusive functional and genetic evidence.